The following is an entry in ClinVar:

ClinVar aggregate classification (germline): Likely benign (1 of 4 stars; one submission).

Conditions:
Leigh syndrome (NULS). Also called: Leigh's necrotizing encephalopathy; Leigh's disease; Leigh Syndrome (mtDNA deletion); Leigh Disease; Subacute necrotizing encephalopathy; Necrotizing encephalopathy infantile subacute of Leigh. Identifiers: Orphanet 506, MedGen C2931891, MONDO:0009723, OMIM 256000.

Submission:

Wong Mito Lab, Molecular and Human Genetics, Baylor College of Medicine
Classification: Likely benign for Leigh syndrome. Last evaluated: 2019-10-17. Review status: criteria provided, single submitter. Criteria: Modified ACMG Guidelines (Unpublished). Collection method: clinical testing. Allele origin: germline.
Comment: The NC_012920.1:m.9663G>A (YP_003024032.1:p.Glu153Lys) variant in MTCO3 gene is interpretated to be a Likely Benign variant based on the modified ACMG guidelines (unpublished). This variant meets the following evidence codes: BS1, BP4

NC_012920.1(MT-CO3):m.9663G>A

Gene: MT-CO3 (mitochondrially encoded cytochrome c oxidase III; plus strand).
Variant type: single nucleotide variant.
Genome position: chrM-9663-G-A.
Identifiers: ClinVar variation 693201 (VCV000693201.1), dbSNP rs1603222427, ClinGen allele CA414803434.